The following is an entry in ClinVar:

ClinVar aggregate classification (germline): Uncertain significance (1 of 4 stars; one submission).

Conditions:
Joubert syndrome 21 (JBTS21). Identifiers: MedGen C3810212, MONDO:0014288, OMIM 615636.

Submission:

Labcorp Genetics (formerly Invitae), Labcorp
Classification: Uncertain significance for Joubert syndrome 21. Last evaluated: 2022-03-10. Review status: criteria provided, single submitter. Criteria: Invitae Variant Classification Sherloc (09022015). Collection method: clinical testing. Allele origin: germline.
Comment: In summary, the available evidence is currently insufficient to determine the role of this variant in disease. Therefore, it has been classified as a Variant of Uncertain Significance. Experimental studies and prediction algorithms are not available or were not evaluated, and the functional significance of this variant is currently unknown. This variant has not been reported in the literature in individuals affected with CSPP1-related conditions. This variant is a gross deletion of the genomic region encompassing exon(s) 28 of the CSPP1 gene. While this deletion is not anticipated to lead to nonsense mediated decay, it is expected to disrupt the C-terminus of the protein.

NC_000008.10:g.(?_68105679)_(68105857_?)del

Gene: CSPP1 (centrosome and spindle pole associated protein 1; plus strand). Cytogenetic location: 8q13.2.
Variant type: Deletion.
Identifiers: ClinVar variation 1441432 (VCV001441432.5).